The following is an entry in ClinVar:

NM_000037.4(ANK1):c.2544G>A (p.Pro848=)

Gene: ANK1 (ankyrin 1; minus strand). Cytogenetic location: 8p11.21.
Variant type: single nucleotide variant.
Coding change: c.2544G>A on transcript NM_000037.4 (MANE Select); coding-DNA position 2544, G replaced by A.
Protein change: p.Pro848=; no amino-acid change (proline 848 retained).
Molecular consequence: synonymous variant.
Genome position (GRCh38, 1-based): chr8:41,699,466, C>T on the plus strand (G>A on the coding strand, the complement: ANK1 is on the minus strand). VCF-style: chr8-41699466-C-T. GRCh37 (hg19) VCF-style: chr8-41556984-C-T.
Other names: p.Pro848=; c.2667G>A, p.Pro889= (NM_001142446.2); c.2544G>A, p.Pro848= (NM_020475.3, NM_020476.3, NM_020477.3).
Identifiers: ClinVar variation 4683333 (VCV004683333.1).

ClinVar aggregate classification (germline): Likely benign (1 of 4 stars; one submission).

gnomAD v4.1: 68 of 1,614,100 alleles (0.0042%); highest among the groups gnomAD compares: Admixed American, 0.0067%; no homozygotes.

Submission:

Mayo Clinic Laboratories, Mayo Clinic
Classification: Likely benign. Last evaluated: 2025-07-30. Review status: criteria provided, single submitter. Criteria: ACMG Guidelines, 2015. Collection method: clinical testing. Allele origin: germline. Observed: 2 variant alleles.
Comment: BP4, BP7